The following is an entry in ClinVar:

NM_000545.8(HNF1A):c.353T>C (p.Met118Thr)

Gene: HNF1A (HNF1 homeobox A; plus strand). Cytogenetic location: 12q24.31.
Variant type: single nucleotide variant.
Coding change: c.353T>C on transcript NM_000545.8 (MANE Select); coding-DNA position 353, T replaced by C.
Protein change: p.Met118Thr; replaces methionine 118 with threonine.
Molecular consequence: missense variant.
Genome position (GRCh38, 1-based): chr12:120,988,859, T>C. VCF-style: chr12-120988859-T-C. GRCh37 (hg19) VCF-style: chr12-121426662-T-C.
Other names: NM_000545.8(HNF1A):c.353T>C; p.Met118Thr; c.353T>C, p.Met118Thr (NM_001306179.2, NM_001406915.1); short protein forms M118T.
Identifiers: ClinVar variation 2084589 (VCV002084589.3), dbSNP rs1876668482, ClinGen allele CA386958995.

ClinVar aggregate classification (germline): Uncertain significance. Review status: reviewed by expert panel (3 of 4 stars). 2 submissions from 2 submitters: Uncertain significance (1). 1 of the submissions does not count toward it. Last evaluated 2024-10-13.

Conditions:
Monogenic diabetes. Identifiers: Orphanet 183625, MedGen C3888631, MONDO:0015967.

Allele frequency attached by ClinVar (database versions not stated): gnomAD exomes below 0.00001; gnomAD 0.00001; TOPMed 0.00002.

Submissions (2):

ClinGen Monogenic Diabetes Variant Curation Expert Panel
Classification: Uncertain significance for Monogenic diabetes. Last evaluated: 2024-10-13. Review status: reviewed by expert panel. Criteria: ClinGen Diabetes ACMG Specifications HNF1A V2.1.0. Collection method: curation. Allele origin: germline. Inheritance: Autosomal dominant inheritance.
Comment: The c.353T>C variant in the HNF1 homeobox A gene, HNF1A, causes an amino acid change of methionine to threonine at codon 10 (p.(Met118Thr)) of NM_000545.8. This variant is located within a conserved region of the DNA binding domain (codons 107-174 and 201-280) of HNF1A, which is defined as critical for the protein’s function by the ClinGen MDEP (PM1_Supporting). Additionally, the variant is predicted to be deleterious by computational evidence, with a REVEL score of 0.844, which is greater than the MDEP VCEP threshold of 0.70 (PP3). This variant is absent from gnomAD v2.1.1 (PM2_Supporting). This variant was identified in two unrelated individuals with non-autoimmune and non-absolute/near-absolute insulin-deficient diabetes; however, PS4_Moderate cannot be applied because this number is below the ClinGen MDEP threshold (internal lab contributors). However, one of these individuals did have a clinical history highly specific for HNF1A-MODY (MODY probability calculator result >50%, negative genetic testing for HNF4A) (PP4; internal lab contributors). This variant segregated with diabetes with one informative meiosis in a single family; however, this does not meet the thresholds for PP1 set by the ClinGen MDEP (PMID: 27236918, internal lab contributors). In summary, c.353T>C meets the criteria to be classified as a variant of uncertain significance for monogenic diabetes. ACMG/AMP criteria applied, as specified by the ClinGen MDEP VCEP (specification version 2.1.1, approved 8/11/2023): PM1_Supporting, PM2_Supporting, PP3, PP4.

Labcorp Genetics (formerly Invitae), Labcorp
Classification: Uncertain significance. Last evaluated: 2025-09-08. Review status: criteria provided, single submitter. Criteria: Invitae Variant Classification Sherloc (09022015). Collection method: clinical testing. Allele origin: germline. Not counted in ClinVar's aggregate classification.
Comment: This sequence change replaces methionine, which is neutral and non-polar, with threonine, which is neutral and polar, at codon 118 of the HNF1A protein (p.Met118Thr). This variant is not present in population databases (gnomAD no frequency). This variant has not been reported in the literature in individuals affected with HNF1A-related conditions. ClinVar contains an entry for this variant (Variation ID: 2084589). Invitae Evidence Modeling of protein sequence and biophysical properties (such as structural, functional, and spatial information, amino acid conservation, physicochemical variation, residue mobility, and thermodynamic stability) indicates that this missense variant is not expected to disrupt HNF1A protein function with a negative predictive value of 80%. In summary, the available evidence is currently insufficient to determine the role of this variant in disease. Therefore, it has been classified as a Variant of Uncertain Significance.